The following is an entry in ClinVar:

ClinVar aggregate classification (germline): Benign (1 of 4 stars; one submission).

Conditions:
Isolated focal non-epidermolytic palmoplantar keratoderma. Also called: Palmoplantar keratoderma, nonepidermolytic, focal 2. Identifiers: Orphanet 448264, MedGen C4225339, MONDO:0014622, OMIM 616400.

Allele frequency attached by ClinVar (database versions not stated): 1000 Genomes Project 0.00419; 1000 Genomes Project 30x 0.00437; gnomAD 0.00448 and 0.00486; TOPMed 0.00546.

Submission:

Illumina Laboratory Services, Illumina
Classification: Benign for Isolated focal non-epidermolytic palmoplantar keratoderma. Last evaluated: 2018-01-13. Review status: criteria provided, single submitter. Criteria: ICSL Variant Classification Criteria 13 December 2019. Collection method: clinical testing. Allele origin: germline.
Comment: This variant was observed in the ICSL laboratory as part of a predisposition screen in an ostensibly healthy population. It had not been previously curated by ICSL or reported in the Human Gene Mutation Database (HGMD: prior to June 1st, 2018), and was therefore a candidate for classification through an automated scoring system. Utilizing variant allele frequency, disease prevalence and penetrance estimates, and inheritance mode, an automated score was calculated to assess if this variant is too frequent to cause the disease. Based on the score and internal cut-off values, a variant classified as benign is not then subjected to further curation. The score for this variant resulted in a classification of benign for this disease.

NM_145068.4(TRPV3):c.*1424G>A

Genes: TRPV3 (transient receptor potential cation channel subfamily V member 3; minus strand), SPATA22 (spermatogenesis associated 22; minus strand). Cytogenetic location: 17p13.2.
Variant type: single nucleotide variant.
Coding change: c.*1424G>A on transcript NM_145068.4 (MANE Select); 1424 bases downstream of the stop codon, G replaced by A.
Molecular consequence: 3 prime UTR variant. On other transcripts: intron variant (2).
Genome position (GRCh38, 1-based): chr17:3,512,493, C>T on the plus strand (G>A on the coding strand, the complement: TRPV3 is on the minus strand). VCF-style: chr17-3512493-C-T. GRCh37 (hg19) VCF-style: chr17-3415787-C-T.
Other names: c.*1424G>A (NM_001258205.2); c.-74+919G>A (NM_001321336.2, NM_001321337.2).
Identifiers: ClinVar variation 322722 (VCV000322722.7), dbSNP rs73977750, ClinGen allele CA10649896.